The following is an entry in ClinVar:

ClinVar aggregate classification (germline): Uncertain significance (1 of 4 stars; one submission).

Conditions:
Epidermolysis bullosa simplex with nail dystrophy (EBS5D). Identifiers: MedGen C4225309, MONDO:0014661, OMIM 616487.
Epidermolysis bullosa simplex, Ogna type (EBS5A). Also called: EPIDERMOLYSIS BULLOSA SIMPLEX 5A, OGNA TYPE; Pidermolysis bullosa simplex 5A, Ogna type. Identifiers: Orphanet 79401, MedGen C0432317, MONDO:0007555, OMIM 131950.
Epidermolysis bullosa simplex 5C, with pyloric atresia (EBS5C). Also called: PLEC1-Related Epidermolysis Bullosa with Pyloric Atresia; PLEC-Related Epidermolysis Bullosa with Pyloric Atresia; Epidermolysis bullosa simplex with pyloric atresia. Identifiers: Orphanet 158684, MedGen C2677349, MONDO:0012807, OMIM 612138.
Autosomal recessive limb-girdle muscular dystrophy type 2Q (LGMDR17). Also called: MUSCULAR DYSTROPHY, LIMB-GIRDLE, AUTOSOMAL RECESSIVE 17. Identifiers: Orphanet 254361, MedGen C3150989, MONDO:0013390, OMIM 613723.
Epidermolysis bullosa simplex 5B, with muscular dystrophy (EBS5B). Also called: EPIDERMOLYSIS BULLOSA SIMPLEX AND LIMB-GIRDLE MUSCULAR DYSTROPHY; Epidermolysis bullosa simplex with muscular dystrophy. Identifiers: Orphanet 257, MedGen C2931072, MONDO:0009181, OMIM 226670.

Submission:

Labcorp Genetics (formerly Invitae), Labcorp
Classification: Uncertain significance for Autosomal recessive limb-girdle muscular dystrophy type 2Q; Epidermolysis bullosa simplex, Ogna type; Epidermolysis bullosa simplex with nail dystrophy; Epidermolysis bullosa simplex 5C, with pyloric atresia; Epidermolysis bullosa simplex 5B, with muscular dystrophy. Last evaluated: 2023-10-05. Review status: criteria provided, single submitter. Criteria: Invitae Variant Classification Sherloc (09022015). Collection method: clinical testing. Allele origin: germline.
Comment: This sequence change replaces alanine, which is neutral and non-polar, with serine, which is neutral and polar, at codon 1966 of the PLEC protein (p.Ala1966Ser). This variant is not present in population databases (gnomAD no frequency). This variant has not been reported in the literature in individuals affected with PLEC-related conditions. Experimental studies and prediction algorithms are not available or were not evaluated, and the functional significance of this variant is currently unknown. In summary, the available evidence is currently insufficient to determine the role of this variant in disease. Therefore, it has been classified as a Variant of Uncertain Significance.

NM_201384.3(PLEC):c.5815G>T (p.Ala1939Ser)

Gene: PLEC (plectin; minus strand). Cytogenetic location: 8q24.3.
Variant type: single nucleotide variant.
Coding change: c.5815G>T on transcript NM_201384.3 (MANE Select); coding-DNA position 5815, G replaced by T.
Protein change: p.Ala1939Ser; replaces alanine 1939 with serine.
Molecular consequence: missense variant. On other transcripts: intron variant (1).
Genome position (GRCh38, 1-based): chr8:143,924,114, C>A on the plus strand (G>T on the coding strand, the complement: PLEC is on the minus strand). VCF-style: chr8-143924114-C-A. GRCh37 (hg19) VCF-style: chr8-144998282-C-A.
Other names: c.5896G>T, p.Ala1966Ser (NM_000445.5); c.5773G>T, p.Ala1925Ser (NM_201378.4); c.5749G>T, p.Ala1917Ser (NM_201379.3); c.6226G>T, p.Ala2076Ser (NM_201380.4); c.5719G>T, p.Ala1907Ser (NM_201381.3); c.5815G>T, p.Ala1939Ser (NM_201382.4); c.5827G>T, p.Ala1943Ser (NM_201383.3); c.4126-1719G>T (NM_001410941.1); short protein forms A1917S, A1939S, A2076S, A1907S, A1925S, A1966S, A1943S.
Identifiers: ClinVar variation 2924865 (VCV002924865.3), dbSNP rs375422079, ClinGen allele CA372541549.